The following is an entry in ClinVar:

NM_012188.5(FOXI1):c.80A>C (p.Glu27Ala)

Gene: FOXI1 (forkhead box I1; plus strand). Cytogenetic location: 5q35.1.
Variant type: single nucleotide variant.
Coding change: c.80A>C on transcript NM_012188.5 (MANE Select); coding-DNA position 80, A replaced by C.
Protein change: p.Glu27Ala; replaces glutamic acid 27 with alanine.
Molecular consequence: missense variant.
Genome position (GRCh38, 1-based): chr5:170,106,037, A>C. VCF-style: chr5-170106037-A-C. GRCh37 (hg19) VCF-style: chr5-169533041-A-C.
Other names: c.80A>C, p.Glu27Ala (NM_144769.4); c.80A>C (NM_012188.4); short protein forms E27A.
Identifiers: ClinVar variation 2441543 (VCV002441543.7), dbSNP rs752331785, ClinGen allele CA3554952.

ClinVar aggregate classification (germline): Uncertain significance. Review status: criteria provided, multiple submitters, no conflicts (2 of 4 stars). 4 submissions from 4 submitters: Uncertain significance (4). Last evaluated 2025-01-26.

Conditions:
Autosomal recessive nonsyndromic hearing loss 4 (DFNB4). Also called: FOXI1-Related Pendred Syndrome; KCNJ10-Related Pendred Syndrome; DEAFNESS, AUTOSOMAL RECESSIVE 4, WITH ENLARGED VESTIBULAR AQUEDUCT, DIGENIC; Nonsyndromic enlarged vestibular aqueduct (NSEVA); Deafness, autosomal recessive 4, with enlarged vestibular aqueduct; Enlarged vestibular aqueduct, digenic. Identifiers: Orphanet 90636, MedGen C3538946, MONDO:0010933, OMIM 600791.

Allele frequency attached by ClinVar (database versions not stated): gnomAD 0.00001; ExAC 0.00002; gnomAD exomes 0.00003.
gnomAD v4.1: 42 of 1,612,352 alleles (0.0026%); highest among the groups gnomAD compares: Non-Finnish European, 0.0035%; no homozygotes.

Submissions (4):

Ambry Genetics
Classification: Uncertain significance. Last evaluated: 2025-01-26. Review status: criteria provided, single submitter. Criteria: Ambry Variant Classification Scheme 2023. Collection method: clinical testing. Allele origin: germline.

Labcorp Genetics (formerly Invitae), Labcorp
Classification: Uncertain significance. Last evaluated: 2024-12-05. Review status: criteria provided, single submitter. Criteria: Invitae Variant Classification Sherloc (09022015). Collection method: clinical testing. Allele origin: germline.
Comment: This sequence change replaces glutamic acid, which is acidic and polar, with alanine, which is neutral and non-polar, at codon 27 of the FOXI1 protein (p.Glu27Ala). This variant is present in population databases (rs752331785, gnomAD 0.003%). This variant has not been reported in the literature in individuals affected with FOXI1-related conditions. ClinVar contains an entry for this variant (Variation ID: 2441543). An algorithm developed to predict the effect of missense changes on protein structure and function (PolyPhen-2) suggests that this variant is likely to be disruptive. In summary, the available evidence is currently insufficient to determine the role of this variant in disease. Therefore, it has been classified as a Variant of Uncertain Significance.

Fulgent Genetics
Classification: Uncertain significance for Autosomal recessive nonsyndromic hearing loss 4. Last evaluated: 2023-12-23. Review status: criteria provided, single submitter. Criteria: ACMG Guidelines, 2015. Collection method: clinical testing. Allele origin: germline.

Revvity Omics, Revvity
Classification: Uncertain significance for Autosomal recessive nonsyndromic hearing loss 4. Last evaluated: 2021-06-21. Review status: criteria provided, single submitter. Criteria: ACMG Guidelines, 2015. Collection method: clinical testing. Allele origin: germline.